The following is an entry in ClinVar:

NM_001142864.4(PIEZO1):c.1682C>T (p.Thr561Met)

Genes: HSALR1 (HSP90AB1 associated lncRNA 1; plus strand), PIEZO1 (piezo type mechanosensitive ion channel component 1 (Er blood group); minus strand). Cytogenetic location: 16q24.3.
Variant type: single nucleotide variant.
Coding change: c.1682C>T on transcript NM_001142864.4 (MANE Select); coding-DNA position 1682, C replaced by T.
Protein change: p.Thr561Met; replaces threonine 561 with methionine.
Molecular consequence: missense variant.
Genome position (GRCh38, 1-based): chr16:88,735,041, G>A on the plus strand (C>T on the coding strand, the complement: PIEZO1 is on the minus strand). VCF-style: chr16-88735041-G-A. GRCh37 (hg19) VCF-style: chr16-88801449-G-A.
Other names: c.227C>T, p.Thr76Met (NM_014745.1); short protein forms T561M, T76M.
Identifiers: ClinVar variation 2689722 (VCV002689722.6), dbSNP rs759869189, ClinGen allele CA8232933.
Genomic context (GRCh38, chr16:88,735,041, plus strand): 5'-ATCCAGTACTTGGCGTACACGCCCTTCACCAGCTCCCCCAGGCTCTGCAACAGCGTCTGC[G>A]TCCGCGTGGGCTCTGTGGGCCAAGCCAGGGGCAGGCGATGGCATCAGGGCGGGCAGGCAG-3'
Protein context (NP_001136336.2, residues 551-571): VTVADTEPTR[Thr561Met]QTLLQSLGEL

ClinVar aggregate classification (germline): Conflicting classifications of pathogenicity. Review status: criteria provided, conflicting classifications (1 of 4 stars). 3 submissions from 3 submitters: Uncertain significance (2); Benign (1). Last evaluated 2025-10-05.

Allele frequency attached by ClinVar (database versions not stated): TOPMed 0.00003; gnomAD exomes 0.00003; ExAC 0.00005; gnomAD 0.00002.
gnomAD v4.1: 42 of 1,550,398 alleles (0.0027%); highest among the groups gnomAD compares: East Asian, 0.029%; no homozygotes.

Submissions (3):

Labcorp Genetics (formerly Invitae), Labcorp
Classification: Benign. Last evaluated: 2025-10-05. Review status: criteria provided, single submitter. Criteria: Invitae Variant Classification Sherloc (09022015). Collection method: clinical testing. Allele origin: germline.

ARUP Laboratories, Molecular Genetics and Genomics, ARUP Laboratories
Classification: Uncertain significance. Last evaluated: 2024-09-19. Review status: criteria provided, single submitter. Criteria: ARUP Molecular Germline Variant Investigation Process 2024. Collection method: clinical testing. Allele origin: germline.
Comment: The PIEZO1 c.1682C>T; p.Thr561Met variant (rs759869189), to our knowledge, is not reported in the medical literature but is reported in ClinVar (Variation ID: 2689722). This variant is found in the general population with an overall allele frequency of 0.007% (13/186,874 alleles) in the Genome Aggregation Database (v2.1.1). Computational analyses are uncertain whether this variant is neutral or deleterious (REVEL: 0.267). Due to limited information, the clinical significance of this variant is uncertain at this time.

Revvity Omics, Revvity
Classification: Uncertain significance. Last evaluated: 2023-08-01. Review status: criteria provided, single submitter. Criteria: ACMG Guidelines, 2015. Collection method: clinical testing. Allele origin: germline.